The following is an entry in ClinVar:

ClinVar aggregate classification (germline): Uncertain significance (1 of 4 stars; one submission).

Allele frequency attached by ClinVar (database versions not stated): ExAC 0.00002; gnomAD exomes 0.00002; gnomAD 0.00003; TOPMed 0.00004; ESP Exome Variant Server 0.00015.
gnomAD v4.1: 11 of 1,613,812 alleles (0.00068%); highest among the groups gnomAD compares: South Asian, 0.0077%; no homozygotes.

Submission:

Labcorp Genetics (formerly Invitae), Labcorp
Classification: Uncertain significance. Last evaluated: 2021-09-15. Review status: criteria provided, single submitter. Criteria: Invitae Variant Classification Sherloc (09022015). Collection method: clinical testing. Allele origin: germline.
Comment: In summary, the available evidence is currently insufficient to determine the role of this variant in disease. Therefore, it has been classified as a Variant of Uncertain Significance. Algorithms developed to predict the effect of missense changes on protein structure and function (SIFT, PolyPhen-2, Align-GVGD) all suggest that this variant is likely to be tolerated. This variant has not been reported in the literature in individuals affected with POMP-related conditions. This variant is present in population databases (rs140847879, ExAC 0.01%). This sequence change replaces proline with serine at codon 15 of the POMP protein (p.Pro15Ser). The proline residue is moderately conserved and there is a moderate physicochemical difference between proline and serine.

NM_015932.6(POMP):c.43C>T (p.Pro15Ser)

Gene: POMP (proteasome maturation protein; plus strand). Cytogenetic location: 13q12.3.
Variant type: single nucleotide variant.
Coding change: c.43C>T on transcript NM_015932.6 (MANE Select); coding-DNA position 43, C replaced by T.
Protein change: p.Pro15Ser; replaces proline 15 with serine.
Molecular consequence: missense variant.
Genome position (GRCh38, 1-based): chr13:28,662,449, C>T. VCF-style: chr13-28662449-C-T. GRCh37 (hg19) VCF-style: chr13-29236586-C-T.
Other names: short protein forms P15S.
Identifiers: ClinVar variation 1440852 (VCV001440852.6), dbSNP rs140847879, ClinGen allele CA6931000.